The following is an entry in ClinVar:

ClinVar aggregate classification (germline): Benign (1 of 4 stars; one submission).

Allele frequency attached by ClinVar (database versions not stated): 1000 Genomes Project 30x 0.00219; 1000 Genomes Project 0.00220; gnomAD 0.00238 and 0.00257; TOPMed 0.00252.

Submission:

GeneDx
Classification: Benign. Last evaluated: 2013-09-17. Review status: criteria provided, single submitter. Criteria: GeneDx Variant Classification (06012015). Collection method: clinical testing. Allele origin: germline. Affected: yes.
Comment: This variant is considered likely benign or benign based on one or more of the following criteria: it is a conservative change, it occurs at a poorly conserved position in the protein, it is predicted to be benign by multiple in silico algorithms, and/or has population frequency not consistent with disease.

NM_005472.5(KCNE3):c.-190+14C>G

Gene: KCNE3 (potassium voltage-gated channel subfamily E regulatory subunit 3; minus strand). Cytogenetic location: 11q13.4.
Variant type: single nucleotide variant.
Coding change: c.-190+14C>G on transcript NM_005472.5 (MANE Select); 14 bases into the intron after 190 bases upstream of the start codon, C replaced by G.
Molecular consequence: intron variant.
Genome position (GRCh38, 1-based): chr11:74,467,384, G>C on the plus strand (C>G on the coding strand, the complement: KCNE3 is on the minus strand). VCF-style: chr11-74467384-G-C. GRCh37 (hg19) VCF-style: chr11-74178429-G-C.
Identifiers: ClinVar variation 137980 (VCV000137980.1), dbSNP rs570472222, ClinGen allele CA291726.
Genomic context (GRCh38, chr11:74,467,384, plus strand): 5'-GAAGGGAGGCGGGAAGACCCCTCATTTCCACCCCAGGCCGCAGCTCAGCCTTCCCAGCTG[G>C]GTGGGTGCCTTACCTGCCTCTCAGCAAGGCTCCGGGGCGCCCGTTTGCTCGCTGGACACG-3'